The following is an entry in ClinVar:

NM_020806.5(GPHN):c.1924T>A (p.Phe642Ile)

Gene: GPHN (gephyrin; plus strand). Cytogenetic location: 14q23.3.
Variant type: single nucleotide variant.
Coding change: c.1924T>A on transcript NM_020806.5 (MANE Select); coding-DNA position 1924, T replaced by A.
Protein change: p.Phe642Ile; replaces phenylalanine 642 with isoleucine.
Molecular consequence: missense variant.
Genome position (GRCh38, 1-based): chr14:67,165,175, T>A. VCF-style: chr14-67165175-T-A. GRCh37 (hg19) VCF-style: chr14-67631892-T-A.
Other names: c.1825T>A, p.Phe609Ile (NM_001024218.2); c.1984T>A, p.Phe662Ile (NM_001377514.1); c.1954T>A, p.Phe652Ile (NM_001377515.1); c.1945T>A, p.Phe649Ile (NM_001377516.1); c.1897T>A, p.Phe633Ile (NM_001377517.1); c.1882T>A, p.Phe628Ile (NM_001377518.1); c.1864T>A, p.Phe622Ile (NM_001377519.1); short protein forms F649I, F652I, F609I, F622I, F642I, F628I, F662I, F633I.
Identifiers: ClinVar variation 1041280 (VCV001041280.8), dbSNP rs2082204409, ClinGen allele CA390121773.

ClinVar aggregate classification (germline): Uncertain significance (1 of 4 stars; one submission).

Conditions:
Sulfite oxidase deficiency due to molybdenum cofactor deficiency type C. Also called: Molybdenum cofactor deficiency, complementation group C; Molybdenum cofactor deficiency C. Identifiers: Orphanet 308400, Orphanet 833, MedGen C1854990, MONDO:0014212, OMIM 615501.

Submission:

Labcorp Genetics (formerly Invitae), Labcorp
Classification: Uncertain significance for Sulfite oxidase deficiency due to molybdenum cofactor deficiency type C. Last evaluated: 2020-07-07. Review status: criteria provided, single submitter. Criteria: Invitae Variant Classification Sherloc (09022015). Collection method: clinical testing. Allele origin: germline.
Comment: In summary, the available evidence is currently insufficient to determine the role of this variant in disease. Therefore, it has been classified as a Variant of Uncertain Significance. Algorithms developed to predict the effect of missense changes on protein structure and function (SIFT, PolyPhen-2, Align-GVGD) all suggest that this variant is likely to be tolerated, but these predictions have not been confirmed by published functional studies and their clinical significance is uncertain. This variant has not been reported in the literature in individuals with GPHN-related conditions. This variant is not present in population databases (ExAC no frequency). This sequence change replaces phenylalanine with isoleucine at codon 642 of the GPHN protein (p.Phe642Ile). The phenylalanine residue is highly conserved and there is a small physicochemical difference between phenylalanine and isoleucine.